The following is an entry in ClinVar:

ClinVar aggregate classification (germline): Uncertain significance (1 of 4 stars; one submission).

gnomAD v4.1: 30 of 1,614,020 alleles (0.0019%); highest among the groups gnomAD compares: African/African-American, 0.017%; no homozygotes.

Submission:

Labcorp Genetics (formerly Invitae), Labcorp
Classification: Uncertain significance. Last evaluated: 2026-01-11. Review status: criteria provided, single submitter. Criteria: Invitae Variant Classification Sherloc (09022015). Collection method: clinical testing. Allele origin: germline.
Comment: This variant occurs in a non-coding region of the EPB41 gene. It does not change the encoded amino acid sequence of the EPB41 protein. This variant is present in population databases (rs371403877, gnomAD 0.01%). This variant has not been reported in the literature in individuals affected with EPB41-related conditions. In summary, the available evidence is currently insufficient to determine the role of this variant in disease. Therefore, it has been classified as a Variant of Uncertain Significance.

NM_001376013.1(EPB41):c.377T>A (p.Ile126Asn)

Gene: EPB41 (erythrocyte membrane protein band 4.1; plus strand). Cytogenetic location: 1p35.3.
Variant type: single nucleotide variant.
Coding change: c.377T>A on transcript NM_001376013.1 (MANE Select); coding-DNA position 377, T replaced by A.
Protein change: p.Ile126Asn; replaces isoleucine 126 with asparagine.
Molecular consequence: missense variant. On other transcripts: 5 prime UTR variant (10).
Genome position (GRCh38, 1-based): chr1:28,987,814, T>A. VCF-style: chr1-28987814-T-A. GRCh37 (hg19) VCF-style: chr1-29314326-T-A.
Other names: c.377T>A, p.Ile126Asn (NM_001166005.2, NM_001166006.2, NM_001376014.1 and 8 more transcripts); c.-251T>A (NM_001166007.2, NM_001376022.1, NM_001376023.1 and 5 more transcripts); c.-331T>A (NM_004437.4, NM_203342.3); short protein forms I126N.
Identifiers: ClinVar variation 4693919 (VCV004693919.1).
Genomic context (GRCh38, chr1:28,987,814, plus strand): 5'-AAGAAAAAGGTGAAGGAGGTCAGAAAGAGATAGAATTTGGAACCAGTCTTGATGAAGAGA[T>A]CATTTTAAAGGCCCCAATTGCAGCTCCTGAACCGGAACTCAAAACAGACCCATCTTTGGA-3'
Protein context (NP_001362942.1, residues 116-136): IEFGTSLDEE[Ile126Asn]ILKAPIAAPE